The following is an entry in ClinVar:

NM_001330691.3(CEP78):c.604-6T>G

Gene: CEP78 (centrosomal protein 78; plus strand). Cytogenetic location: 9q21.2.
Variant type: single nucleotide variant.
Coding change: c.604-6T>G on transcript NM_001330691.3 (MANE Select); 6 bases into the intron before coding-DNA position 604, T replaced by G.
Molecular consequence: intron variant.
Genome position (GRCh38, 1-based): chr9:78,243,456, T>G. VCF-style: chr9-78243456-T-G. GRCh37 (hg19) VCF-style: chr9-80858372-T-G.
Other names: c.604-6T>G (NM_001349839.2, NM_001349840.2, NM_001330693.3 and 4 more transcripts).
Identifiers: ClinVar variation 517537 (VCV000517537.17), dbSNP rs17064247, ClinGen allele CA5094982.

ClinVar aggregate classification (germline): Benign. Review status: criteria provided, multiple submitters, no conflicts (2 of 4 stars). 4 submissions from 4 submitters: Benign (4). Last evaluated 2026-01-21.

Allele frequency attached by ClinVar (database versions not stated): gnomAD exomes 0.00478; ExAC 0.00578; gnomAD 0.01745 and 0.01848; ESP Exome Variant Server 0.01973; TOPMed 0.01996; 1000 Genomes Project 0.02256; 1000 Genomes Project 30x 0.02436.
gnomAD v4.1: 5,214 of 1,608,776 alleles (0.32%); highest among the groups gnomAD compares: African/African-American, 5.9%; 132 homozygotes.

Submissions (8):

Labcorp Genetics (formerly Invitae), Labcorp
Classification: Benign. Last evaluated: 2026-01-21. Review status: criteria provided, single submitter. Criteria: Invitae Variant Classification Sherloc (09022015). Collection method: clinical testing. Allele origin: germline.

GeneDx
Classification: Benign. Last evaluated: 2021-05-05. Review status: criteria provided, single submitter. Criteria: GeneDx Variant Classification Process June 2021. Collection method: clinical testing. Allele origin: germline. Affected: yes.

Laboratory for Molecular Medicine, Mass General Brigham Personalized Medicine
Classification: Benign. Last evaluated: 2017-08-23. Review status: criteria provided, single submitter. Criteria: LMM Criteria. Collection method: clinical testing. Allele origin: germline. Observed: 2 variant alleles.
Comment: c.604-6T>G in intron 4 of CEP78: This variant is not expected to have clinical s ignificance because it has been identified in 6.45% (629/9758) of African chromo somes by the Exome Aggregation Consortium (ExAC; dbSNP rs17064247).

Breakthrough Genomics
Classification: Benign. Review status: criteria provided, single submitter. Criteria: ACMG Guidelines, 2015. Collection method: not provided. Allele origin: germline. Inheritance: Autosomal recessive inheritance. Affected: yes.

Dr. Peter K. Rogan Lab, Western University
No classification provided (evidence only). Condition: Acute myeloid leukemia. Review status: no classification provided. Collection method: in vitro. Allele origin: not applicable. Functional consequence: retained intron. Not counted in ClinVar's aggregate classification.

Dr. Peter K. Rogan Lab, Western University
No classification provided (evidence only). Condition: Uterine corpus endometrial carcinoma. Review status: no classification provided. Collection method: in vitro. Allele origin: not applicable. Functional consequence: retained intron. Not counted in ClinVar's aggregate classification.

Dr. Peter K. Rogan Lab, Western University
No classification provided (evidence only). Condition: Sarcoma. Review status: no classification provided. Collection method: in vitro. Allele origin: not applicable. Functional consequence: retained intron. Not counted in ClinVar's aggregate classification.

Dr. Peter K. Rogan Lab, Western University
No classification provided (evidence only). Condition: Malignant tumor of esophagus. Review status: no classification provided. Collection method: in vitro. Allele origin: not applicable. Functional consequence: retained intron. Not counted in ClinVar's aggregate classification.